The following is an entry in ClinVar:

ClinVar aggregate classification (germline): Uncertain significance (1 of 4 stars; one submission).

Conditions:
Immunodeficiency, common variable, 7. Identifiers: Orphanet 1572, Orphanet 696894, MedGen C3542922, MONDO:0013862, OMIM 614699.

gnomAD v4.1: 1 of 1,612,422 alleles (0.000062%); highest among the groups gnomAD compares: Non-Finnish European, 0.000085%; no homozygotes.

Submission:

Labcorp Genetics (formerly Invitae), Labcorp
Classification: Uncertain significance for Immunodeficiency, common variable, 7. Last evaluated: 2021-11-04. Review status: criteria provided, single submitter. Criteria: Invitae Variant Classification Sherloc (09022015). Collection method: clinical testing. Allele origin: germline.
Comment: This sequence change replaces threonine, which is neutral and polar, with serine, which is neutral and polar, at codon 751 of the CR2 protein (p.Thr751Ser). This variant is not present in population databases (gnomAD no frequency). This variant has not been reported in the literature in individuals affected with CR2-related conditions. Algorithms developed to predict the effect of missense changes on protein structure and function output the following: SIFT: "Tolerated"; PolyPhen-2: "Benign"; Align-GVGD: "Class C0". The serine amino acid residue is found in multiple mammalian species, which suggests that this missense change does not adversely affect protein function. In summary, the available evidence is currently insufficient to determine the role of this variant in disease. Therefore, it has been classified as a Variant of Uncertain Significance.

NM_001006658.3(CR2):c.2252C>G (p.Thr751Ser)

Gene: CR2 (complement C3d receptor 2; plus strand). Cytogenetic location: 1q32.2.
Variant type: single nucleotide variant.
Coding change: c.2252C>G on transcript NM_001006658.3 (MANE Select); coding-DNA position 2252, C replaced by G.
Protein change: p.Thr751Ser; replaces threonine 751 with serine.
Molecular consequence: missense variant.
Genome position (GRCh38, 1-based): chr1:207,474,252, C>G. VCF-style: chr1-207474252-C-G. GRCh37 (hg19) VCF-style: chr1-207647597-C-G.
Other names: c.2075C>G, p.Thr692Ser (NM_001877.5); short protein forms T751S, T692S.
Identifiers: ClinVar variation 1391262 (VCV001391262.6), dbSNP rs943572066, ClinGen allele CA344536666.